The following is an entry in ClinVar:

NM_020232.5(PSMG2):c.733T>C (p.Trp245Arg)

Gene: PSMG2 (proteasome assembly chaperone 2; plus strand). Cytogenetic location: 18p11.21.
Variant type: single nucleotide variant.
Coding change: c.733T>C on transcript NM_020232.5 (MANE Select); coding-DNA position 733, T replaced by C.
Protein change: p.Trp245Arg; replaces tryptophan 245 with arginine.
Molecular consequence: missense variant.
Genome position (GRCh38, 1-based): chr18:12,725,469, T>C. VCF-style: chr18-12725469-T-C. GRCh37 (hg19) VCF-style: chr18-12725468-T-C.
Other names: c.640T>C, p.Trp214Arg (NM_147163.2); short protein forms W214R, W245R.
Identifiers: ClinVar variation 4806811 (VCV004806811.1).

ClinVar aggregate classification (germline): Uncertain significance (1 of 4 stars; one submission).

gnomAD v4.1: 7 of 1,604,558 alleles (0.00044%); highest among the groups gnomAD compares: Non-Finnish European, 0.0006%; no homozygotes.

Submission:

Labcorp Genetics (formerly Invitae), Labcorp
Classification: Uncertain significance. Last evaluated: 2025-10-01. Review status: criteria provided, single submitter. Criteria: Invitae Variant Classification Sherloc (09022015). Collection method: clinical testing. Allele origin: germline.
Comment: This sequence change replaces tryptophan, which is neutral and slightly polar, with arginine, which is basic and polar, at codon 245 of the PSMG2 protein (p.Trp245Arg). This variant is not present in population databases (gnomAD no frequency). This variant has not been reported in the literature in individuals affected with PSMG2-related conditions. An algorithm developed to predict the effect of missense changes on protein structure and function (PolyPhen-2) suggests that this variant is likely to be disruptive. In summary, the available evidence is currently insufficient to determine the role of this variant in disease. Therefore, it has been classified as a Variant of Uncertain Significance.